The following is an entry in ClinVar:

NM_000363.5(TNNI3):c.379G>C (p.Asp127His)

Gene: TNNI3 (troponin I3, cardiac type; minus strand). Cytogenetic location: 19q13.42.
Variant type: single nucleotide variant.
Coding change: c.379G>C on transcript NM_000363.5 (MANE Select); coding-DNA position 379, G replaced by C.
Protein change: p.Asp127His; replaces aspartic acid 127 with histidine.
Molecular consequence: missense variant.
Genome position (GRCh38, 1-based): chr19:55,154,200, C>G on the plus strand (G>C on the coding strand, the complement: TNNI3 is on the minus strand). VCF-style: chr19-55154200-C-G. GRCh37 (hg19) VCF-style: chr19-55665568-C-G.
Other names: short protein forms D127H.
Identifiers: ClinVar variation 5019719 (VCV005019719.1).

ClinVar aggregate classification (germline): Uncertain significance (1 of 4 stars; one submission).

Conditions:
Dilated cardiomyopathy 2A (CMD2A). Also called: CARDIOMYOPATHY, CONGESTIVE, AUTOSOMAL RECESSIVE; CARDIOMYOPATHY, DILATED, AUTOSOMAL RECESSIVE. Identifiers: Orphanet 154, MedGen C2678474, MONDO:0012746, OMIM 611880.
Hypertrophic cardiomyopathy 7. Also called: TNNI3-Related Familial Hypertrophic Cardiomyopathy; Familial hypertrophic cardiomyopathy 7; CARDIOMYOPATHY, FAMILIAL HYPERTROPHIC, 7, MODIFIER OF. Identifiers: MedGen C1860752, MONDO:0013369, OMIM 613690.
Cardiomyopathy, familial restrictive, 1. Identifiers: Orphanet 75249, MedGen C1861861, MONDO:0007270, OMIM 115210.
Dilated cardiomyopathy 1FF (CMD1FF). Identifiers: Orphanet 154, MedGen C2750091, MONDO:0013211, OMIM 613286.

Submission:

Juno Genomics, Hangzhou Juno Genomics, Inc
Classification: Uncertain significance for Dilated cardiomyopathy 2A; Dilated cardiomyopathy 1FF; Cardiomyopathy, familial restrictive, 1; Hypertrophic cardiomyopathy 7. Review status: criteria provided, single submitter. Criteria: ACMG Guidelines, 2015. Collection method: clinical testing. Allele origin: germline. Affected: yes.
Comment: Absent from controls (or at extremely low frequency if recessive) in Genome Aggregation Database.;Multiple lines of computational evidence support a deleterious effect on the gene or gene product.